The following is an entry in ClinVar:

ClinVar aggregate classification (germline): Uncertain significance. Review status: criteria provided, multiple submitters, no conflicts (2 of 4 stars). 2 submissions from 2 submitters: Uncertain significance (2). Last evaluated 2022-11-08.

Conditions:
Inborn genetic diseases. Identifiers: MedGen C0950123, MeSH D030342.

Submissions (2):

Labcorp Genetics (formerly Invitae), Labcorp
Classification: Uncertain significance. Last evaluated: 2022-11-08. Review status: criteria provided, single submitter. Criteria: Invitae Variant Classification Sherloc (09022015). Collection method: clinical testing. Allele origin: germline.
Comment: This sequence change replaces lysine, which is basic and polar, with threonine, which is neutral and polar, at codon 604 of the SETD5 protein (p.Lys604Thr). This variant is not present in population databases (gnomAD no frequency). In summary, the available evidence is currently insufficient to determine the role of this variant in disease. Therefore, it has been classified as a Variant of Uncertain Significance. Advanced modeling of protein sequence and biophysical properties (such as structural, functional, and spatial information, amino acid conservation, physicochemical variation, residue mobility, and thermodynamic stability) performed at Invitae indicates that this missense variant is not expected to disrupt SETD5 protein function. This variant has not been reported in the literature in individuals affected with SETD5-related conditions.

Ambry Genetics
Classification: Uncertain significance for Inborn genetic diseases. Last evaluated: 2020-08-11. Review status: criteria provided, single submitter. Criteria: Ambry Variant Classification Scheme 2023. Collection method: clinical testing. Allele origin: germline.
Comment: The alteration results in an amino acid change:_x000D_ _x000D_ The c.1811A>C (p.K604T) alteration is located in exon 15 (coding exon 13) of the SETD5 gene. This alteration results from an A to C substitution at nucleotide position 1811, causing the lysine (K) at amino acid position 604 to be replaced by a threonine (T). The alteration is not observed in population databases:_x000D_ _x000D_ Based on data from the Genome Aggregation Database (gnomAD), the SETD5 c.1811A>C alteration was not observed, with coverage at this position. The altered amino acid is conserved throughout evolution:_x000D_ _x000D_ The p.K604 amino acid is conserved in higher vertebrate species. The alteration is predicted inconclusive by in silico modeling:_x000D_ _x000D_ The in silico prediction for the p.K604T alteration is inconclusive. Based on insufficient or conflicting evidence, the clinical significance of this alteration remains unclear.

NM_001080517.3(SETD5):c.1811A>C (p.Lys604Thr)

Gene: SETD5 (SET domain containing 5; plus strand). Cytogenetic location: 3p25.3.
Variant type: single nucleotide variant.
Coding change: c.1811A>C on transcript NM_001080517.3 (MANE Select); coding-DNA position 1811, A replaced by C.
Protein change: p.Lys604Thr; replaces lysine 604 with threonine.
Molecular consequence: missense variant.
Genome position (GRCh38, 1-based): chr3:9,447,714, A>C. VCF-style: chr3-9447714-A-C. GRCh37 (hg19) VCF-style: chr3-9489398-A-C.
Other names: c.1517A>C, p.Lys506Thr (NM_001292043.2, NM_001349451.2); short protein forms K604T, K506T.
Identifiers: ClinVar variation 2100294 (VCV002100294.5), dbSNP rs772313043, ClinGen allele CA351696862.